The following is an entry in ClinVar:

ClinVar aggregate classification (germline): Pathogenic (1 of 4 stars; one submission).

Conditions:
Wiedemann-Steiner syndrome (WDSTS). Also called: Growth deficiency and mental retardation with facial dysmorphism. Identifiers: Orphanet 319182, MedGen C1854630, MONDO:0011518, OMIM 605130.

Submission:

Undiagnosed Diseases Network, NIH
Classification: Pathogenic for Wiedemann-Steiner syndrome. Last evaluated: 2017-11-08. Review status: criteria provided, single submitter. Criteria: ACMG Guidelines, 2015. Collection method: clinical testing. Allele origin: de novo. Inheritance: Autosomal dominant inheritance. Affected: yes. Observed: 1 variant allele, 1 heterozygote. Study: Undiagnosed Diseases Network (NIH), UDN.
Comment: The c.3521T>G missense variant in KMT2A gene was identified as a de novo variant.

NM_001197104.2(KMT2A):c.3521T>G (p.Leu1174Ter)

Gene: KMT2A (lysine methyltransferase 2A; plus strand). Cytogenetic location: 11q23.3.
Variant type: single nucleotide variant.
Coding change: c.3521T>G on transcript NM_001197104.2 (MANE Select); coding-DNA position 3521, T replaced by G.
Protein change: p.Leu1174Ter; replaces leucine 1174 with a stop codon.
Molecular consequence: nonsense.
Genome position (GRCh38, 1-based): chr11:118,478,153, T>G. VCF-style: chr11-118478153-T-G. GRCh37 (hg19) VCF-style: chr11-118348868-T-G.
Other names: c.3521T>G, p.Leu1174Ter (NM_005933.4); short protein forms L1174*.
Identifiers: ClinVar variation 522805 (VCV000522805.3), dbSNP rs1555038111, ClinGen allele CA382825054.